The following is an entry in ClinVar:

NM_018026.4(PACS1):c.2062G>A (p.Gly688Ser)

Gene: PACS1 (phosphofurin acidic cluster sorting protein 1; plus strand). Cytogenetic location: 11q13.2.
Variant type: single nucleotide variant.
Coding change: c.2062G>A on transcript NM_018026.4 (MANE Select); coding-DNA position 2062, G replaced by A.
Protein change: p.Gly688Ser; replaces glycine 688 with serine.
Molecular consequence: missense variant.
Genome position (GRCh38, 1-based): chr11:66,234,200, G>A. VCF-style: chr11-66234200-G-A. GRCh37 (hg19) VCF-style: chr11-66001671-G-A.
Other names: short protein forms G688S.
Identifiers: ClinVar variation 2088750 (VCV002088750.4), dbSNP rs760528823, ClinGen allele CA381374449.

ClinVar aggregate classification (germline): Uncertain significance (1 of 4 stars; one submission).

Conditions:
Schuurs-Hoeijmakers syndrome. Also called: PACS1-Related Neurodevelopmental Disorder. Identifiers: Orphanet 329224, MedGen C3554343, MONDO:0014006, OMIM 615009.

gnomAD v4.1: 2 of 1,614,162 alleles (0.00012%); highest among the groups gnomAD compares: Non-Finnish European, 0.00017%; no homozygotes.

Submission:

Labcorp Genetics (formerly Invitae), Labcorp
Classification: Uncertain significance for Schuurs-Hoeijmakers syndrome. Last evaluated: 2022-08-16. Review status: criteria provided, single submitter. Criteria: Invitae Variant Classification Sherloc (09022015). Collection method: clinical testing. Allele origin: germline.
Comment: This sequence change replaces glycine, which is neutral and non-polar, with serine, which is neutral and polar, at codon 688 of the PACS1 protein (p.Gly688Ser). This variant is not present in population databases (gnomAD no frequency). In summary, the available evidence is currently insufficient to determine the role of this variant in disease. Therefore, it has been classified as a Variant of Uncertain Significance. Algorithms developed to predict the effect of sequence changes on RNA splicing suggest that this variant may create or strengthen a splice site. Algorithms developed to predict the effect of missense changes on protein structure and function output the following: SIFT: "Tolerated"; PolyPhen-2: "Benign"; Align-GVGD: "Class C0". The serine amino acid residue is found in multiple mammalian species, which suggests that this missense change does not adversely affect protein function. This variant has not been reported in the literature in individuals affected with PACS1-related conditions.